The following is an entry in ClinVar:

ClinVar aggregate classification (germline): Benign. Review status: criteria provided, multiple submitters, no conflicts (2 of 4 stars). 2 submissions from 2 submitters: Benign (2). Last evaluated 2018-06-14.

Allele frequency attached by ClinVar (database versions not stated): 1000 Genomes Project 30x 0.06668; 1000 Genomes Project 0.06949; TOPMed 0.07730; gnomAD 0.07848 and 0.07890; gnomAD exomes 0.09325.
gnomAD v4.1: 81,016 of 892,702 alleles (9.1%); highest among the groups gnomAD compares: Non-Finnish European, 11%; 4,239 homozygotes.

Submissions (2):

GeneDx
Classification: Benign. Last evaluated: 2018-06-14. Review status: criteria provided, single submitter. Criteria: GeneDx Variant Classification (06012015). Collection method: clinical testing. Allele origin: germline. Affected: yes.
Comment: This variant is considered likely benign or benign based on one or more of the following criteria: it is a conservative change, it occurs at a poorly conserved position in the protein, it is predicted to be benign by multiple in silico algorithms, and/or has population frequency not consistent with disease.

Breakthrough Genomics
Classification: Benign. Review status: criteria provided, single submitter. Criteria: ACMG Guidelines, 2015. Collection method: not provided. Allele origin: germline. Inheritance: Autosomal recessive inheritance. Affected: yes.

NM_000530.8(MPZ):c.67+111A>G

Gene: MPZ (myelin protein zero; minus strand). Cytogenetic location: 1q23.3.
Variant type: single nucleotide variant.
Coding change: c.67+111A>G on transcript NM_000530.8 (MANE Select); 111 bases into the intron after coding-DNA position 67, A replaced by G.
Molecular consequence: intron variant.
Genome position (GRCh38, 1-based): chr1:161,309,728, T>C on the plus strand (A>G on the coding strand, the complement: MPZ is on the minus strand). VCF-style: chr1-161309728-T-C. GRCh37 (hg19) VCF-style: chr1-161279518-T-C.
Other names: c.67+111A>G (NM_001315491.2).
Identifiers: ClinVar variation 667646 (VCV000667646.2), dbSNP rs11579939, ClinGen allele CA10741081.